The following is an entry in ClinVar:

ClinVar aggregate classification (germline): Conflicting classifications of pathogenicity. Review status: criteria provided, conflicting classifications (1 of 4 stars). 4 submissions from 4 submitters: Uncertain significance (1); Likely benign (3). Last evaluated 2025-06-12.

Conditions:
Inborn genetic diseases. Identifiers: MedGen C0950123, MeSH D030342.

Allele frequency attached by ClinVar (database versions not stated): gnomAD exomes 0.00202; gnomAD 0.00447.

Submissions (8):

Labcorp Genetics (formerly Invitae), Labcorp
Classification: Likely benign. Last evaluated: 2025-06-12. Review status: criteria provided, single submitter. Criteria: Invitae Variant Classification Sherloc (09022015). Collection method: clinical testing. Allele origin: germline.

Blueprint Genetics
Classification: Likely benign. Last evaluated: 2024-11-15. Review status: criteria provided, single submitter. Criteria: ACMG Guidelines, 2015. Collection method: clinical testing. Allele origin: germline.

CeGaT Center for Human Genetics Tuebingen
Classification: Likely benign. Last evaluated: 2024-07-01. Review status: criteria provided, single submitter. Criteria: CeGaT Center For Human Genetics Tuebingen Variant Classification Criteria Version 2. Collection method: clinical testing. Allele origin: germline. Affected: yes. Observed: 5 variant alleles.
Comment: KMT2C: BP4, BS1

Ambry Genetics
Classification: Uncertain significance for Inborn genetic diseases. Last evaluated: 2021-11-19. Review status: criteria provided, single submitter. Criteria: Ambry Variant Classification Scheme 2023. Collection method: clinical testing. Allele origin: germline.
Comment: The c.7443-5A>T intronic alteration consists of a A to T substitution 5 nucleotides before coding exon 38 in the KMT2C gene. Based on insufficient or conflicting evidence, the clinical significance of this alteration remains unclear.

Dr. Peter K. Rogan Lab, Western University
No classification provided (evidence only). Condition: Colon adenocarcinoma. Review status: no classification provided. Collection method: in vitro. Allele origin: not applicable. Functional consequence: retained intron. Not counted in ClinVar's aggregate classification.

Dr. Peter K. Rogan Lab, Western University
No classification provided (evidence only). Condition: Sarcoma. Review status: no classification provided. Collection method: in vitro. Allele origin: not applicable. Functional consequence: retained intron. Not counted in ClinVar's aggregate classification.

Dr. Peter K. Rogan Lab, Western University
No classification provided (evidence only). Condition: Ovarian serous cystadenocarcinoma. Review status: no classification provided. Collection method: in vitro. Allele origin: not applicable. Functional consequence: retained intron. Not counted in ClinVar's aggregate classification.

Dr. Peter K. Rogan Lab, Western University
No classification provided (evidence only). Condition: Gastric cancer. Review status: no classification provided. Collection method: in vitro. Allele origin: not applicable. Functional consequence: retained intron. Not counted in ClinVar's aggregate classification.

NM_170606.3(KMT2C):c.7443-5A>T

Gene: KMT2C (lysine methyltransferase 2C; minus strand). Cytogenetic location: 7q36.1.
Variant type: single nucleotide variant.
Coding change: c.7443-5A>T on transcript NM_170606.3 (MANE Select); 5 bases into the intron before coding-DNA position 7443, A replaced by T.
Molecular consequence: intron variant.
Genome position (GRCh38, 1-based): chr7:152,178,015, T>A on the plus strand (A>T on the coding strand, the complement: KMT2C is on the minus strand). VCF-style: chr7-152178015-T-A. GRCh37 (hg19) VCF-style: chr7-151875100-T-A.
Other names: c.7443-5A>T (NM_170606.2).
Identifiers: ClinVar variation 1635084 (VCV001635084.35), dbSNP rs878978808, ClinGen allele CA169206814.